The following is an entry in ClinVar:

ClinVar aggregate classification (germline): Conflicting classifications of pathogenicity. Review status: criteria provided, conflicting classifications (1 of 4 stars). 3 submissions from 3 submitters: Uncertain significance (2); Likely benign (1). Last evaluated 2024-12-06.

Conditions:
Familial cancer of breast. Also called: Hereditary breast cancer; hereditary breast carcinoma; BREAST CANCER, FAMILIAL. Identifiers: Orphanet 227535, MedGen C0346153, MONDO:0016419, OMIM 114480. Disease mechanism: loss of function.
Hereditary cancer-predisposing syndrome. Also called: Hereditary neoplastic syndrome; Hereditary Cancer Syndrome; Neoplastic Syndromes, Hereditary; Tumor predisposition. Identifiers: Orphanet 140162, MedGen C0027672, MeSH D009386, MONDO:0015356.
Ataxia-telangiectasia syndrome (AT). Also called: AT, COMPLEMENTATION GROUP C; Ataxia telangiectasia (A-T); ATAXIA-TELANGIECTASIA, COMPLEMENTATION GROUP A; ATAXIA-TELANGIECTASIA, FRESNO VARIANT; Ataxia-telangiectasia, complementation group D; Ataxia-telangiectasia, complementation group E. Identifiers: Orphanet 100, MedGen C0004135, MONDO:0008840, OMIM 208900.

gnomAD v4.1: 1 of 1,614,012 alleles (0.000062%); highest among the groups gnomAD compares: African/African-American, 0.0013%; no homozygotes.

Submissions (3):

Ambry Genetics
Classification: Likely benign for Hereditary cancer-predisposing syndrome. Last evaluated: 2024-12-06. Review status: criteria provided, single submitter. Criteria: Ambry Variant Classification Scheme 2023. Collection method: clinical testing. Allele origin: germline.

KCCC/NGS Laboratory, Kuwait Cancer Control Center
Classification: Uncertain significance for Familial cancer of breast. Last evaluated: 2024-11-03. Review status: criteria provided, single submitter. Criteria: ACMG Guidelines, 2015. Collection method: clinical testing. Allele origin: germline. Inheritance: Autosomal dominant inheritance. Affected: yes. Observed: 1 heterozygote.
Comment: sequence change replaces threonine, which is neutral and polar, with isoleucine, which is neutral and non-polar, at codon 664 of the ATM protein (p.Thr664Ile).This variant is not present in population databases (gnomAD no frequency). This variant has not been reported in the literature in individuals affected with ATM-related conditions. Algorithms developed to predict the effect of missense changes on protein structure and function (SIFT, PolyPhen-2, Align- GVGD) all suggest that this variant is likely to be tolerated. In summary, the available evidence is currently insufficient to determine the role of this variant in disease. Therefore, it has been classified as a Variant of Uncertain Significance.

Labcorp Genetics (formerly Invitae), Labcorp
Classification: Uncertain significance for Ataxia-telangiectasia syndrome. Last evaluated: 2022-11-15. Review status: criteria provided, single submitter. Criteria: Invitae Variant Classification Sherloc (09022015). Collection method: clinical testing. Allele origin: germline.
Comment: In summary, the available evidence is currently insufficient to determine the role of this variant in disease. Therefore, it has been classified as a Variant of Uncertain Significance. Algorithms developed to predict the effect of missense changes on protein structure and function (SIFT, PolyPhen-2, Align-GVGD) all suggest that this variant is likely to be tolerated. This variant has not been reported in the literature in individuals affected with ATM-related conditions. This variant is not present in population databases (gnomAD no frequency). This sequence change replaces threonine, which is neutral and polar, with isoleucine, which is neutral and non-polar, at codon 664 of the ATM protein (p.Thr664Ile).

NM_000051.4(ATM):c.1991C>T (p.Thr664Ile)

Gene: ATM (ATM serine/threonine kinase; plus strand). Cytogenetic location: 11q22.3.
Variant type: single nucleotide variant.
Coding change: c.1991C>T on transcript NM_000051.4 (MANE Select); coding-DNA position 1991, C replaced by T.
Protein change: p.Thr664Ile; replaces threonine 664 with isoleucine.
Molecular consequence: missense variant.
Genome position (GRCh38, 1-based): chr11:108,253,906, C>T. VCF-style: chr11-108253906-C-T. GRCh37 (hg19) VCF-style: chr11-108124633-C-T.
Other names: c.1991C>T, p.Thr664Ile (NM_001351834.2); short protein forms T664I.
Identifiers: ClinVar variation 2869100 (VCV002869100.5), dbSNP rs1231343218, ClinGen allele CA382536969.